The following is an entry in ClinVar:

ClinVar aggregate classification (germline): Pathogenic (1 of 4 stars; one submission).

Conditions:
Congenital myasthenic syndrome 10. Also called: Myasthenia, limb-girdle, familial. Identifiers: Orphanet 590, MedGen C1850792, MONDO:0009690, OMIM 254300.
Fetal akinesia deformation sequence 1 (FADS1). Also called: Pena-Shokeir syndrome type I; Fetal akinesia sequence. Identifiers: Orphanet 994, MedGen C1276035, MONDO:0100101, OMIM 208150, HP:0001989.

Submission:

Labcorp Genetics (formerly Invitae), Labcorp
Classification: Pathogenic for Congenital myasthenic syndrome 10; Fetal akinesia deformation sequence 1. Last evaluated: 2022-03-09. Review status: criteria provided, single submitter. Criteria: Invitae Variant Classification Sherloc (09022015). Collection method: clinical testing. Allele origin: germline.
Comment: For these reasons, this variant has been classified as Pathogenic. This variant disrupts a region of the DOK7 protein in which other variant(s) (p.Tyr405*) have been determined to be pathogenic (Invitae). This suggests that this is a clinically significant region of the protein, and that variants that disrupt it are likely to be disease-causing. ClinVar contains an entry for this variant (Variation ID: 1075034). This variant has not been reported in the literature in individuals affected with DOK7-related conditions. This variant is not present in population databases (gnomAD no frequency). This sequence change creates a premature translational stop signal (p.Gln326Hisfs*29) in the DOK7 gene. While this is not anticipated to result in nonsense mediated decay, it is expected to disrupt the last 179 amino acid(s) of the DOK7 protein.

NM_173660.5(DOK7):c.978_1018del (p.Gln326fs)

Gene: DOK7 (docking protein 7; plus strand). Cytogenetic location: 4p16.3.
Variant type: Deletion.
Coding change: c.978_1018del on transcript NM_173660.5 (MANE Select); coding-DNA positions 978 to 1018, 41 bases deleted.
Protein change: p.Gln326fs; shifts the reading frame from glutamine 326.
Molecular consequence: frameshift variant. On other transcripts: 3 prime UTR variant (1).
Genome position (GRCh38, 1-based): chr4:3,492,964-3,493,004, 41 bases deleted; deleting any 41 consecutive bases within chr4:3,492,958-3,493,004 gives the same sequence; the c. name uses the placement nearest the transcript's 3' end. GRCh37 (hg19): chr4:3,494,691-3,494,731.
Other names: c.*199_*239del (NM_001164673.2); c.48_88del, p.Gln16fs (NM_001256896.2); c.978_1018del, p.Gln326fs (NM_001301071.2); c.546_586del, p.Gln182fs (NM_001363811.2); short protein forms Q16fs, Q182fs, Q326fs.
Identifiers: ClinVar variation 1075034 (VCV001075034.9), dbSNP rs2109417797, ClinGen allele CA2499217199.